The following is an entry in ClinVar:

NM_001378120.1(MBD5):c.1237A>G (p.Lys413Glu)

Gene: MBD5 (methyl-CpG binding domain protein 5; plus strand). Cytogenetic location: 2q23.1.
Variant type: single nucleotide variant.
Coding change: c.1237A>G on transcript NM_001378120.1 (MANE Select); coding-DNA position 1237, A replaced by G.
Protein change: p.Lys413Glu; replaces lysine 413 with glutamic acid.
Molecular consequence: missense variant.
Genome position (GRCh38, 1-based): chr2:148,469,180, A>G. VCF-style: chr2-148469180-A-G. GRCh37 (hg19) VCF-style: chr2-149226749-A-G.
Other names: c.1237A>G, p.Lys413Glu (NM_018328.5); short protein forms K413E.
Identifiers: ClinVar variation 1757143 (VCV001757143.7), dbSNP rs1343597559, ClinGen allele CA348719260.
Genomic context (GRCh38, chr2:148,469,180, plus strand): 5'-AATGTAAGCATGCCTCCTGCTGTTGTTCCTTTGCCAAGTAATCTCCCATTGCCAACTGTA[A>G]AACCTGGTCACATGAATCATGGGAGTCATGTACAAAGAGTTCAGCATTCAGCTTCAACCT-3'
Protein context (NP_001365049.1, residues 403-423): LPSNLPLPTV[Lys413Glu]PGHMNHGSHV

ClinVar aggregate classification (germline): Uncertain significance. Review status: criteria provided, multiple submitters, no conflicts (2 of 4 stars). 2 submissions from 2 submitters: Uncertain significance (2). Last evaluated 2025-09-27.

Conditions:
Intellectual developmental disorder, autosomal dominant 1. Also called: Intellectual disability, autosomal dominant 1; MBD5 Haploinsufficiency. Identifiers: Orphanet 228402, MedGen C1969562, MONDO:0007974, OMIM 156200.
Inborn genetic diseases. Identifiers: MedGen C0950123, MeSH D030342.

Allele frequency attached by ClinVar (database versions not stated): gnomAD exomes below 0.00001.
gnomAD v4.1: 2 of 1,613,996 alleles (0.00012%); highest among the groups gnomAD compares: Admixed American, 0.0033%; no homozygotes.

Submissions (2):

Labcorp Genetics (formerly Invitae), Labcorp
Classification: Uncertain significance for Intellectual developmental disorder, autosomal dominant 1. Last evaluated: 2025-09-27. Review status: criteria provided, single submitter. Criteria: Invitae Variant Classification Sherloc (09022015). Collection method: clinical testing. Allele origin: germline.
Comment: This sequence change replaces lysine, which is basic and polar, with glutamic acid, which is acidic and polar, at codon 413 of the MBD5 protein (p.Lys413Glu). This variant is present in population databases (no rsID available, gnomAD 0.006%). This variant has not been reported in the literature in individuals affected with MBD5-related conditions. ClinVar contains an entry for this variant (Variation ID: 1757143). Invitae Evidence Modeling of protein sequence and biophysical properties (such as structural, functional, and spatial information, amino acid conservation, physicochemical variation, residue mobility, and thermodynamic stability) has been performed for this missense variant. However, the output from this modeling did not meet the statistical confidence thresholds required to predict the impact of this variant on MBD5 protein function. In summary, the available evidence is currently insufficient to determine the role of this variant in disease. Therefore, it has been classified as a Variant of Uncertain Significance.

Ambry Genetics
Classification: Uncertain significance for Inborn genetic diseases. Last evaluated: 2019-05-14. Review status: criteria provided, single submitter. Criteria: Ambry Variant Classification Scheme 2023. Collection method: clinical testing. Allele origin: germline.
Comment: The p.K413E variant (also known as c.1237A>G), located in coding exon 4 of the MBD5 gene, results from an A to G substitution at nucleotide position 1237. The lysine at codon 413 is replaced by glutamic acid, an amino acid with similar properties. This amino acid position is highly conserved in available vertebrate species. In addition, the in silico prediction for this alteration is inconclusive. Since supporting evidence is limited at this time, the clinical significance of this alteration remains unclear.